The following is an entry in ClinVar:

NM_020435.4(GJC2):c.1088C>A (p.Ala363Glu)

Gene: GJC2 (gap junction protein gamma 2; plus strand). Cytogenetic location: 1q42.13.
Variant type: single nucleotide variant.
Coding change: c.1088C>A on transcript NM_020435.4 (MANE Select); coding-DNA position 1088, C replaced by A.
Protein change: p.Ala363Glu; replaces alanine 363 with glutamic acid.
Molecular consequence: missense variant.
Genome position (GRCh38, 1-based): chr1:228,158,846, C>A. VCF-style: chr1-228158846-C-A. GRCh37 (hg19) VCF-style: chr1-228346547-C-A.
Other names: short protein forms A363E.
Identifiers: ClinVar variation 1366338 (VCV001366338.8), dbSNP rs1469042630, ClinGen allele CA345100532.

ClinVar aggregate classification (germline): Uncertain significance (1 of 4 stars; one submission).

Conditions:
Spastic paraplegia. Identifiers: MedGen C0037772, HP:0001258.

Allele frequency attached by ClinVar (database versions not stated): gnomAD 0.00001.
gnomAD v4.1: 2 of 1,471,968 alleles (0.00014%); highest among the groups gnomAD compares: South Asian, 0.0025%; no homozygotes.

Submission:

Labcorp Genetics (formerly Invitae), Labcorp
Classification: Uncertain significance for Spastic paraplegia. Last evaluated: 2022-10-17. Review status: criteria provided, single submitter. Criteria: Invitae Variant Classification Sherloc (09022015). Collection method: clinical testing. Allele origin: germline.
Comment: In summary, the available evidence is currently insufficient to determine the role of this variant in disease. Therefore, it has been classified as a Variant of Uncertain Significance. Advanced modeling of protein sequence and biophysical properties (such as structural, functional, and spatial information, amino acid conservation, physicochemical variation, residue mobility, and thermodynamic stability) has been performed at Invitae for this missense variant, however the output from this modeling did not meet the statistical confidence thresholds required to predict the impact of this variant on GJC2 protein function. ClinVar contains an entry for this variant (Variation ID: 1366338). This variant has not been reported in the literature in individuals affected with GJC2-related conditions. This variant is not present in population databases (gnomAD no frequency). This sequence change replaces alanine, which is neutral and non-polar, with glutamic acid, which is acidic and polar, at codon 363 of the GJC2 protein (p.Ala363Glu).